The following is an entry in ClinVar:

NM_000360.4(TH):c.66C>T (p.Asp22=)

Gene: TH (tyrosine hydroxylase; minus strand). Cytogenetic location: 11p15.5.
Variant type: single nucleotide variant.
Coding change: c.66C>T on transcript NM_000360.4 (MANE Select); coding-DNA position 66, C replaced by T.
Protein change: p.Asp22=; no amino-acid change (aspartic acid 22 retained).
Molecular consequence: synonymous variant.
Genome position (GRCh38, 1-based): chr11:2,171,721, G>A on the plus strand (C>T on the coding strand, the complement: TH is on the minus strand). VCF-style: chr11-2171721-G-A. GRCh37 (hg19) VCF-style: chr11-2192951-G-A.
Other names: c.66C>T, p.Asp22= (NM_199292.3, NM_199293.3).
Identifiers: ClinVar variation 696451 (VCV000696451.23), dbSNP rs377073512, ClinGen allele CA5818874.

ClinVar aggregate classification (germline): Benign. Review status: criteria provided, multiple submitters, no conflicts (2 of 4 stars). 4 submissions from 4 submitters: Benign (3). 1 of the submissions does not count toward it. Last evaluated 2026-02-02.

Conditions:
TH-deficient dopa-responsive dystonia. Also called: Segawa syndrome, autosomal recessive; Tyrosine Hydroxylase-Deficient Dopa-Responsive Dystonia; DYT-TH. Identifiers: Orphanet 101150, MedGen C2673535, MONDO:0011551, OMIM 605407.

Allele frequency attached by ClinVar (database versions not stated): gnomAD 0.00003 and 0.00055; ESP Exome Variant Server 0.00008; TOPMed 0.00014; gnomAD exomes 0.00185; 1000 Genomes Project 30x 0.00203; ExAC 0.00204; 1000 Genomes Project 0.00220.
gnomAD v4.1: 1,458 of 1,612,746 alleles (0.09%); highest among the groups gnomAD compares: South Asian, 1.5%; 24 homozygotes.

Submissions (4):

Labcorp Genetics (formerly Invitae), Labcorp
Classification: Benign for TH-deficient dopa-responsive dystonia. Last evaluated: 2026-02-02. Review status: criteria provided, single submitter. Criteria: Invitae Variant Classification Sherloc (09022015). Collection method: clinical testing. Allele origin: germline.

CeGaT Center for Human Genetics Tuebingen
Classification: Benign. Last evaluated: 2026-01-01. Review status: criteria provided, single submitter. Criteria: CeGaT Center For Human Genetics Tuebingen Variant Classification Criteria Version 2. Collection method: clinical testing. Allele origin: germline. Affected: yes. Observed: 3 variant alleles.
Comment: TH: BP4, BP7, BS1, BS2

Illumina Laboratory Services, Illumina
Classification: Benign for TH-deficient dopa-responsive dystonia. Last evaluated: 2018-01-13. Review status: criteria provided, single submitter. Criteria: ICSL Variant Classification Criteria 13 December 2019. Collection method: clinical testing. Allele origin: germline.
Comment: This variant was observed in the ICSL laboratory as part of a predisposition screen in an ostensibly healthy population. It had not been previously curated by ICSL or reported in the Human Gene Mutation Database (HGMD: prior to June 1st, 2018), and was therefore a candidate for classification through an automated scoring system. Utilizing variant allele frequency, disease prevalence and penetrance estimates, and inheritance mode, an automated score was calculated to assess if this variant is too frequent to cause the disease. Based on the score and internal cut-off values, a variant classified as benign is not then subjected to further curation. The score for this variant resulted in a classification of benign for this disease.

Natera, Inc.
Classification: Benign for Autosomal recessive Segawa syndrome. Last evaluated: 2020-09-16. Review status: no assertion criteria provided. Collection method: clinical testing. Allele origin: germline. Not counted in ClinVar's aggregate classification.